The following is an entry in ClinVar:

NM_001943.5(DSG2):c.1045G>A (p.Asp349Asn)

Gene: DSG2 (desmoglein 2; plus strand). Cytogenetic location: 18q12.1.
Variant type: single nucleotide variant.
Coding change: c.1045G>A on transcript NM_001943.5 (MANE Select); coding-DNA position 1045, G replaced by A.
Protein change: p.Asp349Asn; replaces aspartic acid 349 with asparagine.
Molecular consequence: missense variant.
Genome position (GRCh38, 1-based): chr18:31,531,017, G>A. VCF-style: chr18-31531017-G-A. GRCh37 (hg19) VCF-style: chr18-29110980-G-A.
Other names: short protein forms D349N.
Identifiers: ClinVar variation 1482278 (VCV001482278.11), dbSNP rs754281384, ClinGen allele CA041256.

ClinVar aggregate classification (germline): Uncertain significance. Review status: criteria provided, multiple submitters, no conflicts (2 of 4 stars). 4 submissions from 4 submitters: Uncertain significance (4). Last evaluated 2025-08-25.

Conditions:
Cardiomyopathy (CMYO). Also called: Cardiomyopathies. Identifiers: Orphanet 167848, MedGen C0878544, MONDO:0004994, HP:0001638. Inheritance: Various modes of inheritance.
Cardiovascular phenotype. Identifiers: MedGen CN230736.
Arrhythmogenic right ventricular cardiomyopathy (ARVD). Also called: Cardiomyopathy, ARVC; Arrhythmogenic right ventricular dysplasia; Arrhythmogenic cardiomyopathy; Arrhythmogenic Right Ventricular Cardiomyopathy (ARVC). Identifiers: Orphanet 247, MedGen C0349788, MeSH D019571, MONDO:0016587. Disease mechanism: loss of function. Inheritance: Various modes of inheritance.
Arrhythmogenic right ventricular dysplasia 10. Also called: Arrhythmogenic right ventricular dysplasia/cardiomyopathy, type 10; Arrhythmogenic Right Ventricular Dysplasia/Cardiomyopathy10; ARRHYTHMOGENIC RIGHT VENTRICULAR DYSPLASIA, FAMILIAL, 10. Identifiers: MedGen C1857777, MONDO:0012434, OMIM 610193.

Allele frequency attached by ClinVar (database versions not stated): ExAC 0.00001; gnomAD exomes 0.00001.
gnomAD v4.1: 3 of 1,613,968 alleles (0.00019%); highest among the groups gnomAD compares: African/African-American, 0.0027%; no homozygotes.

Submissions (4):

Color Diagnostics, LLC DBA Color Health
Classification: Uncertain significance for Cardiomyopathy. Last evaluated: 2025-08-25. Review status: criteria provided, single submitter. Criteria: ACMG Guidelines, 2015. Collection method: clinical testing. Allele origin: germline.
Comment: This missense variant replaces aspartic acid with asparagine at codon 349 of the DSG2 protein. Computational prediction suggests that this variant may not impact protein structure and function. To our knowledge, functional studies have not been reported for this variant. This variant has not been reported in individuals affected with DSG2-related disorders in the literature. This variant has been identified in 2/249264 chromosomes in the general population by the Genome Aggregation Database (gnomAD). The available evidence is insufficient to determine the role of this variant in disease conclusively. Therefore, this variant is classified as a Variant of Uncertain Significance.

All of Us Research Program, National Institutes of Health
Classification: Uncertain significance for Arrhythmogenic right ventricular cardiomyopathy. Last evaluated: 2023-02-24. Review status: criteria provided, single submitter. Criteria: ACMG Guidelines, 2015. Collection method: clinical testing. Allele origin: germline. Inheritance: Autosomal dominant inheritance. Observed: 1 variant allele, 1 heterozygote.
Comment: This missense variant replaces aspartic acid with asparagine at codon 349 of the DSG2 protein. Computational prediction suggests that this variant may not impact protein structure and function (internally defined REVEL score threshold <= 0.5, PMID: 27666373). To our knowledge, functional studies have not been reported for this variant. This variant has not been reported in individuals affected with DSG2-related disorders in the literature. This variant has been identified in 2/249264 chromosomes in the general population by the Genome Aggregation Database (gnomAD). The available evidence is insufficient to determine the role of this variant in disease conclusively. Therefore, this variant is classified as a Variant of Uncertain Significance.

This study involves interpretation of variants in research participants for the purpose of population health screening. Participant phenotype was not available at the time of variant classification. Additional details can be found in publication PMID: 35346344, PMCID: PMC8962531

Labcorp Genetics (formerly Invitae), Labcorp
Classification: Uncertain significance for Arrhythmogenic right ventricular dysplasia 10. Last evaluated: 2021-12-27. Review status: criteria provided, single submitter. Criteria: Invitae Variant Classification Sherloc (09022015). Collection method: clinical testing. Allele origin: germline.
Comment: This variant has not been reported in the literature in individuals affected with DSG2-related conditions. In summary, the available evidence is currently insufficient to determine the role of this variant in disease. Therefore, it has been classified as a Variant of Uncertain Significance. Algorithms developed to predict the effect of missense changes on protein structure and function output the following: SIFT: "Tolerated"; PolyPhen-2: "Benign"; Align-GVGD: "Class C0". The asparagine amino acid residue is found in multiple mammalian species, which suggests that this missense change does not adversely affect protein function. This variant is present in population databases (rs754281384, gnomAD 0.0009%). This sequence change replaces aspartic acid, which is acidic and polar, with asparagine, which is neutral and polar, at codon 349 of the DSG2 protein (p.Asp349Asn).

Ambry Genetics
Classification: Uncertain significance for Cardiovascular phenotype. Last evaluated: 2021-08-02. Review status: criteria provided, single submitter. Criteria: Ambry Variant Classification Scheme 2023. Collection method: clinical testing. Allele origin: germline.
Comment: The p.D349N variant (also known as c.1045G>A), located in coding exon 9 of the DSG2 gene, results from a G to A substitution at nucleotide position 1045. The aspartic acid at codon 349 is replaced by asparagine, an amino acid with highly similar properties. This amino acid position is conserved. In addition, this alteration is predicted to be tolerated by in silico analysis. Since supporting evidence is limited at this time, the clinical significance of this alteration remains unclear.